The following is an entry in ClinVar:

NM_006206.6(PDGFRA):c.1443G>T (p.Arg481Ser)

Gene: PDGFRA (platelet derived growth factor receptor alpha; plus strand). Cytogenetic location: 4q12.
Variant type: single nucleotide variant.
Coding change: c.1443G>T on transcript NM_006206.6 (MANE Select); coding-DNA position 1443, G replaced by T.
Protein change: p.Arg481Ser; replaces arginine 481 with serine.
Molecular consequence: missense variant.
Genome position (GRCh38, 1-based): chr4:54,273,615, G>T. VCF-style: chr4-54273615-G-T. GRCh37 (hg19) VCF-style: chr4-55139782-G-T.
Other names: c.1443G>T, p.Arg481Ser (NM_001347827.2, NM_001347829.2); c.1518G>T, p.Arg506Ser (NM_001347828.2); c.1482G>T, p.Arg494Ser (NM_001347830.2); short protein forms R481S, R506S, R494S.
Identifiers: ClinVar variation 1772754 (VCV001772754.2), dbSNP rs1366000832, ClinGen allele CA356892577.

ClinVar aggregate classification (germline): Uncertain significance (1 of 4 stars; one submission).

Conditions:
Hereditary cancer-predisposing syndrome. Also called: Hereditary Cancer Syndrome; Hereditary neoplastic syndrome; Neoplastic Syndromes, Hereditary; Tumor predisposition. Identifiers: Orphanet 140162, MedGen C0027672, MeSH D009386, MONDO:0015356.

Submission:

Ambry Genetics
Classification: Uncertain significance for Hereditary cancer-predisposing syndrome. Last evaluated: 2022-03-12. Review status: criteria provided, single submitter. Criteria: Ambry Variant Classification Scheme 2023. Collection method: clinical testing. Allele origin: germline.
Comment: The p.R481S variant (also known as c.1443G>T), located in coding exon 9 of the PDGFRA gene, results from a G to T substitution at nucleotide position 1443. The arginine at codon 481 is replaced by serine, an amino acid with dissimilar properties. This amino acid position is conserved. In addition, this alteration is predicted to be tolerated by in silico analysis. Since supporting evidence is limited at this time, the clinical significance of this alteration remains unclear.